The following is an entry in ClinVar:

NM_012338.4(TSPAN12):c.514A>T (p.Thr172Ser)

Gene: TSPAN12 (tetraspanin 12; minus strand). Cytogenetic location: 7q31.31.
Variant type: single nucleotide variant.
Coding change: c.514A>T on transcript NM_012338.4 (MANE Select); coding-DNA position 514, A replaced by T.
Protein change: p.Thr172Ser; replaces threonine 172 with serine.
Molecular consequence: missense variant.
Genome position (GRCh38, 1-based): chr7:120,806,647, T>A on the plus strand (A>T on the coding strand, the complement: TSPAN12 is on the minus strand). VCF-style: chr7-120806647-T-A. GRCh37 (hg19) VCF-style: chr7-120446701-T-A.
Other names: short protein forms T172S.
Identifiers: ClinVar variation 1466761 (VCV001466761.6), dbSNP rs2116348480, ClinGen allele CA369136375.
Genomic context (GRCh38, chr7:120,806,647, plus strand): 5'-GTTTGGAACATCCTGGGAATTCTCTAACACAGCAGGAATCTGGGGGCCAGTCCATCTCTG[T>A]CATTTCCAACCAGTCAGTGAAATATACTACTCCACAGCACTTAAACTGCAAAAAAAATCA-3'
Protein context (NP_036470.1, residues 162-182): VVYFTDWLEM[Thr172Ser]EMDWPPDSCC

ClinVar aggregate classification (germline): Uncertain significance (1 of 4 stars; one submission).

Allele frequency attached by ClinVar (database versions not stated): gnomAD exomes below 0.00001.
gnomAD v4.1: 7 of 1,613,552 alleles (0.00043%); highest among the groups gnomAD compares: African/African-American, 0.0013%; no homozygotes.

Submission:

Labcorp Genetics (formerly Invitae), Labcorp
Classification: Uncertain significance. Last evaluated: 2021-10-22. Review status: criteria provided, single submitter. Criteria: Invitae Variant Classification Sherloc (09022015). Collection method: clinical testing. Allele origin: germline.
Comment: In summary, the available evidence is currently insufficient to determine the role of this variant in disease. Therefore, it has been classified as a Variant of Uncertain Significance. Algorithms developed to predict the effect of missense changes on protein structure and function are either unavailable or do not agree on the potential impact of this missense change (SIFT: "Tolerated"; PolyPhen-2: "Possibly Damaging"; Align-GVGD: "Class C0"). This variant has not been reported in the literature in individuals affected with TSPAN12-related conditions. This variant is not present in population databases (ExAC no frequency). This sequence change replaces threonine with serine at codon 172 of the TSPAN12 protein (p.Thr172Ser). The threonine residue is highly conserved and there is a small physicochemical difference between threonine and serine.